The following is an entry in ClinVar:

NM_001184880.2(PCDH19):c.980C>A (p.Pro327Gln)

Gene: PCDH19 (protocadherin 19; minus strand). Cytogenetic location: Xq22.1.
Variant type: single nucleotide variant.
Coding change: c.980C>A on transcript NM_001184880.2 (MANE Select); coding-DNA position 980, C replaced by A.
Protein change: p.Pro327Gln; replaces proline 327 with glutamine.
Molecular consequence: missense variant.
Genome position (GRCh38, 1-based): chrX:100,407,618, G>T on the plus strand (C>A on the coding strand, the complement: PCDH19 is on the minus strand). VCF-style: chrX-100407618-G-T. GRCh37 (hg19) VCF-style: chrX-99662616-G-T.
Other names: c.980C>A, p.Pro327Gln (NM_001105243.2, NM_020766.3); short protein forms P327Q.
Identifiers: ClinVar variation 3764357 (VCV003764357.2).
Genomic context (GRCh38, chrX:100,407,618, plus strand): 5'-TTGATGACCGGCGGATTGTCATTGGTGTCCAGCACGCTGACGGTGACCTTGCAGTGTGCC[G>T]GGATGGAATTGGGCCCCAAGTCCTTAGCCTGCACGTCCAGTTCGTACACGTGCCCCTCTT-3'
Protein context (NP_001171809.1, residues 317-337): QAKDLGPNSI[Pro327Gln]AHCKVTVSVL

ClinVar aggregate classification (germline): Uncertain significance (1 of 4 stars; one submission).

Submission:

GeneDx
Classification: Uncertain significance. Last evaluated: 2026-10-12. Review status: criteria provided, single submitter. Criteria: GeneDx Variant Classification Process June 2021. Collection method: clinical testing. Allele origin: germline.
Comment: Not observed at significant frequency in large population cohorts (gnomAD); In silico analysis supports that this missense variant has a deleterious effect on protein structure/function; Has not been previously published as pathogenic or benign to our knowledge